The following is an entry in ClinVar:

ClinVar aggregate classification (germline): Pathogenic. Review status: criteria provided, multiple submitters, no conflicts (2 of 4 stars). 2 submissions from 2 submitters: Pathogenic (2). Last evaluated 2026-01-23.

Conditions:
Long QT syndrome (LQTS). Identifiers: MedGen C0023976, MeSH D008133, MONDO:0002442. Disease mechanism: loss of function. Inheritance: Various modes of inheritance.

Submissions (2):

GeneDx
Classification: Pathogenic. Last evaluated: 2026-01-23. Review status: criteria provided, single submitter. Criteria: GeneDx Variant Classification Process June 2021. Collection method: clinical testing. Allele origin: germline.
Comment: Nonsense variant predicted to result in protein truncation or nonsense mediated decay in a gene for which loss of function is a known mechanism of disease; Reported in association with Long QT syndrome in the literature (PMID: 15851171, 28491650); Not observed at significant frequency in large population cohorts (gnomAD); This variant is associated with the following publications: (PMID: 19862833, 25525159, 15851171, 28491650)

Labcorp Genetics (formerly Invitae), Labcorp
Classification: Pathogenic for Long QT syndrome. Last evaluated: 2023-08-03. Review status: criteria provided, single submitter. Criteria: Invitae Variant Classification Sherloc (09022015). Collection method: clinical testing. Allele origin: germline.
Comment: For these reasons, this variant has been classified as Pathogenic. Algorithms developed to predict the effect of sequence changes on RNA splicing suggest that this variant may disrupt the consensus splice site. ClinVar contains an entry for this variant (Variation ID: 405261). This premature translational stop signal has been observed in individual(s) with long QT Syndrome (PMID: 15851171). This variant is not present in population databases (gnomAD no frequency). This sequence change creates a premature translational stop signal (p.Ser349*) in the KCNQ1 gene. It is expected to result in an absent or disrupted protein product. Loss-of-function variants in KCNQ1 are known to be pathogenic (PMID: 9323054, 19862833).

Literature cited by the submitters: PubMed 15851171 (cited by Labcorp Genetics (formerly Invitae), Labcorp); PubMed 9323054 (cited by Labcorp Genetics (formerly Invitae), Labcorp); PubMed 19862833 (cited by Labcorp Genetics (formerly Invitae), Labcorp).

NM_000218.3(KCNQ1):c.1046C>A (p.Ser349Ter)

Gene: KCNQ1 (potassium voltage-gated channel subfamily Q member 1; plus strand). Cytogenetic location: 11p15.5.
Variant type: single nucleotide variant.
Coding change: c.1046C>A on transcript NM_000218.3 (MANE Select); coding-DNA position 1046, C replaced by A.
Protein change: p.Ser349Ter; replaces serine 349 with a stop codon.
Molecular consequence: nonsense.
Genome position (GRCh38, 1-based): chr11:2,585,225, C>A. VCF-style: chr11-2585225-C-A. GRCh37 (hg19) VCF-style: chr11-2606455-C-A.
Other names: c.776C>A, p.Ser259Ter (NM_001406837.1); c.665C>A, p.Ser222Ter (NM_181798.2); short protein forms S222*, S349*, S259*.
Identifiers: ClinVar variation 405261 (VCV000405261.11), dbSNP rs199472765, ClinGen allele CA16613520.